The following is an entry in ClinVar:

NM_003151.4(STAT4):c.1468A>G (p.Thr490Ala)

Gene: STAT4 (signal transducer and activator of transcription 4; minus strand). Cytogenetic location: 2q32.2.
Variant type: single nucleotide variant.
Coding change: c.1468A>G on transcript NM_003151.4 (MANE Select); coding-DNA position 1468, A replaced by G.
Protein change: p.Thr490Ala; replaces threonine 490 with alanine.
Molecular consequence: missense variant.
Genome position (GRCh38, 1-based): chr2:191,036,266, T>C on the plus strand (A>G on the coding strand, the complement: STAT4 is on the minus strand). VCF-style: chr2-191036266-T-C. GRCh37 (hg19) VCF-style: chr2-191900992-T-C.
Other names: c.1468A>G, p.Thr490Ala (NM_001243835.2); short protein forms T490A.
Identifiers: ClinVar variation 1472125 (VCV001472125.6), dbSNP rs2125150803, ClinGen allele CA349910004.
Genomic context (GRCh38, chr2:191,036,266, plus strand): 5'-GACCACGACCAACGTACGATGAAAACTGCCAGCTCATCACCTCCAGTAGTTGACTCAATG[T>C]GGCAGGTGGAGGATTATTAAAGAAAACCAAGTTCTGAAATAGAGTCAAGATGATAATTTG-3'
Protein context (NP_003142.1, residues 480-500): LVFFNNPPPA[Thr490Ala]LSQLLEVMSW

ClinVar aggregate classification (germline): Uncertain significance (1 of 4 stars; one submission).

Submission:

Labcorp Genetics (formerly Invitae), Labcorp
Classification: Uncertain significance. Last evaluated: 2021-08-31. Review status: criteria provided, single submitter. Criteria: Invitae Variant Classification Sherloc (09022015). Collection method: clinical testing. Allele origin: germline.
Comment: This sequence change replaces threonine with alanine at codon 490 of the STAT4 protein (p.Thr490Ala). The threonine residue is moderately conserved and there is a small physicochemical difference between threonine and alanine. This variant is not present in population databases (ExAC no frequency). This variant has not been reported in the literature in individuals affected with STAT4-related conditions. Algorithms developed to predict the effect of missense changes on protein structure and function output the following: SIFT: "Tolerated"; PolyPhen-2: "Benign"; Align-GVGD: "Class C0". The alanine amino acid residue is found in multiple mammalian species, which suggests that this missense change does not adversely affect protein function. In summary, the available evidence is currently insufficient to determine the role of this variant in disease. Therefore, it has been classified as a Variant of Uncertain Significance.